The following is an entry in ClinVar:

ClinVar aggregate classification (germline): Uncertain significance (1 of 4 stars; one submission).

gnomAD v4.1: 15 of 1,613,896 alleles (0.00093%); highest among the groups gnomAD compares: Middle Eastern, 0.016%; no homozygotes.

Submission:

GeneDx
Classification: Uncertain significance. Last evaluated: 2023-11-15. Review status: criteria provided, single submitter. Criteria: GeneDx Variant Classification Process June 2021. Collection method: clinical testing. Allele origin: germline. Affected: yes.
Comment: Not observed at significant frequency in large population cohorts (gnomAD); In silico analysis supports that this missense variant has a deleterious effect on protein structure/function; Has not been previously published as pathogenic or benign to our knowledge

NM_001184.4(ATR):c.1294C>T (p.Arg432Cys)

Gene: ATR (ATR serine/threonine kinase; minus strand). Cytogenetic location: 3q23.
Variant type: single nucleotide variant.
Coding change: c.1294C>T on transcript NM_001184.4 (MANE Select); coding-DNA position 1294, C replaced by T.
Protein change: p.Arg432Cys; replaces arginine 432 with cysteine.
Molecular consequence: missense variant.
Genome position (GRCh38, 1-based): chr3:142,561,298, G>A on the plus strand (C>T on the coding strand, the complement: ATR is on the minus strand). VCF-style: chr3-142561298-G-A. GRCh37 (hg19) VCF-style: chr3-142280140-G-A.
Other names: c.1294C>T, p.Arg432Cys (NM_001354579.2); short protein forms R432C.
Identifiers: ClinVar variation 3364380 (VCV003364380.1).